The following is an entry in ClinVar:

NM_152618.3(BBS12):c.1283del (p.Asn428fs)

Gene: BBS12 (Bardet-Biedl syndrome 12; plus strand). Cytogenetic location: 4q27.
Variant type: Deletion.
Coding change: c.1283del on transcript NM_152618.3 (MANE Select); coding-DNA position 1283, one base deleted (A; older notation c.1283delA).
Protein change: p.Asn428fs; shifts the reading frame from asparagine 428.
Molecular consequence: frameshift variant.
Genome position (GRCh38, 1-based): chr4:122,743,175, A deleted; the last of 3 consecutive A bases (chr4:122,743,173-122,743,175); deleting any one gives the same sequence. VCF-style (leftmost placement, unchanged base first): chr4-122743172-TA-T. GRCh37 (hg19) VCF-style: chr4-123664327-TA-T.
Other names: c.1283del, p.Asn428fs (NM_001178007.2); short protein forms N428fs.
Identifiers: ClinVar variation 3644186 (VCV003644186.2).

ClinVar aggregate classification (germline): Pathogenic (1 of 4 stars; one submission).

Conditions:
Bardet-Biedl syndrome (BBS). Identifiers: Orphanet 110, MedGen C0752166, MONDO:0015229.

Submission:

Labcorp Genetics (formerly Invitae), Labcorp
Classification: Pathogenic for Bardet-Biedl syndrome. Last evaluated: 2024-03-02. Review status: criteria provided, single submitter. Criteria: Invitae Variant Classification Sherloc (09022015). Collection method: clinical testing. Allele origin: germline.
Comment: This sequence change creates a premature translational stop signal (p.Asn428Thrfs*6) in the BBS12 gene. While this is not anticipated to result in nonsense mediated decay, it is expected to disrupt the last 283 amino acid(s) of the BBS12 protein. This variant is not present in population databases (gnomAD no frequency). This variant has not been reported in the literature in individuals affected with BBS12-related conditions. This variant disrupts a region of the BBS12 protein in which other variant(s) (p.Ser701*) have been determined to be pathogenic (PMID: 20648243). This suggests that this is a clinically significant region of the protein, and that variants that disrupt it are likely to be disease-causing. For these reasons, this variant has been classified as Pathogenic.

Literature cited by the submitters: PubMed 20648243.